The following is an entry in ClinVar:

NM_000204.5(CFI):c.1169dup (p.Tyr390Ter)

Gene: CFI (complement factor I; minus strand). Cytogenetic location: 4q25.
Variant type: Duplication.
Coding change: c.1169dup on transcript NM_000204.5 (MANE Select); coding-DNA position 1169, one base duplicated (A; older notation c.1169dupA).
Protein change: p.Tyr390Ter; replaces tyrosine 390 with a stop codon.
Molecular consequence: nonsense. On other transcripts: non-coding transcript variant (2).
Genome position (GRCh38, 1-based): chr4:109,746,482, T duplicated on the plus strand (A on the coding strand, the reverse complement: CFI is on the minus strand). VCF-style (leftmost placement, unchanged base first): chr4-109746481-G-GT. GRCh37 (hg19) VCF-style: chr4-110667637-G-GT.
Other names: c.1193dup, p.Tyr398Ter (NM_001318057.2, NM_001375278.1); c.1148dup, p.Tyr383Ter (NM_001331035.2, NM_001375280.1, NM_001375282.1); c.1169dup, p.Tyr390Ter (NM_001375279.1, NM_001375281.1); c.1112dup, p.Tyr371Ter (NM_001375283.1); c.560dup, p.Tyr187Ter (NM_001375284.1); short protein forms Y187*, Y371*, Y383*, Y390*, Y398*.
Identifiers: ClinVar variation 3370349 (VCV003370349.1).

ClinVar aggregate classification (germline): Likely pathogenic (1 of 4 stars; one submission).

Conditions:
Atypical hemolytic-uremic syndrome with I factor anomaly. Also called: HEMOLYTIC UREMIC SYNDROME, ATYPICAL, SUSCEPTIBILITY TO, 3; AHUS, SUSCEPTIBILITY TO, 3. Identifiers: Orphanet 2134, MedGen C2752039, MONDO:0013041, OMIM 612923.

Submission:

MVZ Medizinische Genetik Mainz
Classification: Likely pathogenic for Atypical hemolytic-uremic syndrome with I factor anomaly. Last evaluated: 2024-09-24. Review status: criteria provided, single submitter. Criteria: UK Practice Guidelines For Variant Classification V4 01 2020. Collection method: clinical testing. Allele origin: germline. Inheritance: Autosomal dominant inheritance. Affected: yes. Observed: 1 variant allele.
Comment: ACMG Criteria: PVS1,PM2_SUP